The following is an entry in ClinVar:

NM_000260.4(MYO7A):c.2248C>T (p.Leu750Phe)

Gene: MYO7A (myosin VIIA; plus strand). Cytogenetic location: 11q13.5.
Variant type: single nucleotide variant.
Coding change: c.2248C>T on transcript NM_000260.4 (MANE Select); coding-DNA position 2248, C replaced by T.
Protein change: p.Leu750Phe; replaces leucine 750 with phenylalanine.
Molecular consequence: missense variant.
Genome position (GRCh38, 1-based): chr11:77,177,609, C>T. VCF-style: chr11-77177609-C-T. GRCh37 (hg19) VCF-style: chr11-76888655-C-T.
Other names: c.2248C>T, p.Leu750Phe (NM_001127180.2); c.2215C>T, p.Leu739Phe (NM_001369365.1); short protein forms L750F, L739F.
Identifiers: ClinVar variation 505430 (VCV000505430.11), dbSNP rs1224881006, ClinGen allele CA381940540.

ClinVar aggregate classification (germline): Uncertain significance. Review status: criteria provided, multiple submitters, no conflicts (2 of 4 stars). 5 submissions from 5 submitters: Uncertain significance (4). 1 of the submissions does not count toward it. Last evaluated 2024-11-05.

Conditions:
Inborn genetic diseases. Identifiers: MedGen C0950123, MeSH D030342.
Usher syndrome type 1B (USH1B). Also called: Usher syndrome type IB. Identifiers: MedGen C1848638, MONDO:0700087.

Allele frequency attached by ClinVar (database versions not stated): gnomAD exomes below 0.00001; TOPMed below 0.00001.
gnomAD v4.1: 3 of 1,611,894 alleles (0.00019%); highest among the groups gnomAD compares: African/African-American, 0.0027%; no homozygotes.

Submissions (5):

Labcorp Genetics (formerly Invitae), Labcorp
Classification: Uncertain significance. Last evaluated: 2024-11-05. Review status: criteria provided, single submitter. Criteria: Invitae Variant Classification Sherloc (09022015). Collection method: clinical testing. Allele origin: germline.
Comment: This sequence change replaces leucine, which is neutral and non-polar, with phenylalanine, which is neutral and non-polar, at codon 750 of the MYO7A protein (p.Leu750Phe). This variant is not present in population databases (gnomAD no frequency). This variant has not been reported in the literature in individuals affected with MYO7A-related conditions. ClinVar contains an entry for this variant (Variation ID: 505430). Invitae Evidence Modeling of protein sequence and biophysical properties (such as structural, functional, and spatial information, amino acid conservation, physicochemical variation, residue mobility, and thermodynamic stability) indicates that this missense variant is not expected to disrupt MYO7A protein function with a negative predictive value of 95%. In summary, the available evidence is currently insufficient to determine the role of this variant in disease. Therefore, it has been classified as a Variant of Uncertain Significance.

Blueprint Genetics
Classification: Uncertain significance. Last evaluated: 2024-10-02. Review status: criteria provided, single submitter. Criteria: ACMG Guidelines, 2015. Collection method: clinical testing. Allele origin: germline.

Ambry Genetics
Classification: Uncertain significance for Inborn genetic diseases. Last evaluated: 2023-02-27. Review status: criteria provided, single submitter. Criteria: Ambry Variant Classification Scheme 2023. Collection method: clinical testing. Allele origin: germline.

Laboratory for Molecular Medicine, Mass General Brigham Personalized Medicine
Classification: Uncertain significance. Last evaluated: 2016-11-17. Review status: criteria provided, single submitter. Criteria: LMM Criteria. Collection method: clinical testing. Allele origin: germline. Observed: 1 variant allele.
Comment: The p.Leu750Phe variant in MYO7A has not been previously reported in individuals with hearing loss or in large population studies. Computational prediction tool s and conservation analysis do not provide strong support for or against an impa ct to the protein. In summary, the clinical significance of the p.Leu750Phe vari ant is uncertain.

Natera, Inc.
Classification: Uncertain significance for Usher syndrome type 1B. Last evaluated: 2020-09-16. Review status: no assertion criteria provided. Collection method: clinical testing. Allele origin: germline. Not counted in ClinVar's aggregate classification.